The following is an entry in ClinVar:

NM_000532.5(PCCB):c.318C>G (p.Ser106Arg)

Gene: PCCB (propionyl-CoA carboxylase subunit beta; plus strand). Cytogenetic location: 3q22.3.
Variant type: single nucleotide variant.
Coding change: c.318C>G on transcript NM_000532.5 (MANE Select); coding-DNA position 318, C replaced by G.
Protein change: p.Ser106Arg; replaces serine 106 with arginine.
Molecular consequence: missense variant.
Genome position (GRCh38, 1-based): chr3:136,256,569, C>G. VCF-style: chr3-136256569-C-G. GRCh37 (hg19) VCF-style: chr3-135975411-C-G.
Other names: c.318C>G, p.Ser106Arg (NM_001178014.2); short protein forms S106R.
Identifiers: ClinVar variation 4814329 (VCV004814329.2).

ClinVar aggregate classification (germline): Likely pathogenic (1 of 4 stars; one submission).

Conditions:
Propionic acidemia (PROP). Also called: GLYCINEMIA, KETOTIC; HYPERGLYCINEMIA WITH KETOACIDOSIS AND LEUKOPENIA; KETOTIC HYPERGLYCINEMIA. Identifiers: Orphanet 35, MedGen C0268579, MONDO:0011628, OMIM 606054, HP:0003571.

Submission:

Natera, Inc.
Classification: Likely pathogenic for Propionic acidemia. Last evaluated: 2024-11-14. Review status: criteria provided, single submitter. Criteria: Natera Variant Classification Schema (03/2026). Collection method: clinical testing. Allele origin: germline.
Comment: The c.318C>G variant in PCCB is a missense variant predicted to cause substitution of serine to arginine at amino acid 106. This variant is rare in the general population with a frequency below the threshold expected for the associated phenotype(s). This variant has been identified in one or more affected individuals with a phenotype highly consistent with the associated gene (PMID:12007220). Functional studies show that this variant may disrupt protein function (PMID: 12757933, 15949719). Computational prediction algorithms indicate this variant is likely to affect gene or protein function. Given the available evidence, this variant is classified as Likely Pathogenic.

Literature cited by the submitters: PubMed 12007220; PubMed 12757933; PubMed 15949719.